The following is an entry in ClinVar:

ClinVar aggregate classification (germline): Likely benign. Review status: criteria provided, multiple submitters, no conflicts (2 of 4 stars). 4 submissions from 4 submitters: Likely benign (4). Last evaluated 2025-06-30.

Conditions:
Cardiovascular phenotype. Identifiers: MedGen CN230736.
RASopathy. Also called: Noonan spectrum disorder; rasopathies. Identifiers: Orphanet 536391, MedGen C5555857, MONDO:0021060.

Allele frequency attached by ClinVar (database versions not stated): gnomAD exomes below 0.00001 and 0.00002; gnomAD 0.00001; TOPMed 0.00002.
gnomAD v4.1: 10 of 1,614,096 alleles (0.00062%); highest among the groups gnomAD compares: Middle Eastern, 0.066%; no homozygotes.

Submissions (4):

Labcorp Genetics (formerly Invitae), Labcorp
Classification: Likely benign for RASopathy. Last evaluated: 2025-06-30. Review status: criteria provided, single submitter. Criteria: Invitae Variant Classification Sherloc (09022015). Collection method: clinical testing. Allele origin: germline.

Ambry Genetics
Classification: Likely benign for Cardiovascular phenotype. Last evaluated: 2019-10-20. Review status: criteria provided, single submitter. Criteria: Ambry Variant Classification Scheme 2023. Collection method: clinical testing. Allele origin: germline.

Laboratory for Molecular Medicine, Mass General Brigham Personalized Medicine
Classification: Likely benign. Last evaluated: 2018-12-28. Review status: criteria provided, single submitter. Criteria: LMM Criteria. Collection method: clinical testing. Allele origin: germline. Observed: 1 variant allele.
Comment: The p.Asn884Asn variant in CBL is classified as likely benign because it does no t alter an amino acid residue, it is not located within the splice consensus seq uence, and splice prediction algorithms do not predict a newly created splice si te. ACMG/AMP Criteria applied: BP4, BP7, PM2_Supporting.

Breakthrough Genomics
Classification: Likely benign. Review status: criteria provided, single submitter. Criteria: ACMG Guidelines, 2015. Collection method: not provided. Allele origin: germline. Inheritance: Autosomal dominant inheritance. Affected: yes.

NM_005188.4(CBL):c.2652C>T (p.Asn884=)

Gene: CBL (Cbl proto-oncogene; plus strand). Cytogenetic location: 11q23.3.
Variant type: single nucleotide variant.
Coding change: c.2652C>T on transcript NM_005188.4 (MANE Select); coding-DNA position 2652, C replaced by T.
Protein change: p.Asn884=; no amino-acid change (asparagine 884 retained).
Molecular consequence: synonymous variant.
Genome position (GRCh38, 1-based): chr11:119,299,712, C>T. VCF-style: chr11-119299712-C-T. GRCh37 (hg19) VCF-style: chr11-119170422-C-T.
Identifiers: ClinVar variation 667081 (VCV000667081.15), dbSNP rs879302360, ClinGen allele CA229653023.